The following is an entry in ClinVar:

ClinVar aggregate classification (germline): Uncertain significance. Review status: criteria provided, multiple submitters, no conflicts (2 of 4 stars). 5 submissions from 5 submitters: Uncertain significance (5). Last evaluated 2025-11-17.

Conditions:
Hereditary cancer-predisposing syndrome. Also called: Neoplastic Syndromes, Hereditary; Tumor predisposition; Hereditary neoplastic syndrome; Hereditary Cancer Syndrome. Identifiers: Orphanet 140162, MedGen C0027672, MeSH D009386, MONDO:0015356.
Endometrial carcinoma. Also called: Endometrial carcinoma, somatic. Identifiers: MedGen C0476089, MONDO:0002447, OMIM 608089, HP:0012114.

Submissions (5):

Labcorp Genetics (formerly Invitae), Labcorp
Classification: Uncertain significance. Last evaluated: 2025-11-17. Review status: criteria provided, single submitter. Criteria: Invitae Variant Classification Sherloc (09022015). Collection method: clinical testing. Allele origin: germline.
Comment: This variant, c.2035_2037del, results in the deletion of 1 amino acid(s) of the MSH3 protein (p.Leu679del), but otherwise preserves the integrity of the reading frame. This variant is present in population databases (no rsID available, gnomAD 0.02%). This variant has not been reported in the literature in individuals affected with MSH3-related conditions. ClinVar contains an entry for this variant (Variation ID: 643106). Experimental studies and prediction algorithms are not available or were not evaluated, and the functional significance of this variant is currently unknown. In summary, the available evidence is currently insufficient to determine the role of this variant in disease. Therefore, it has been classified as a Variant of Uncertain Significance.

Ambry Genetics
Classification: Uncertain significance for Hereditary cancer-predisposing syndrome. Last evaluated: 2025-08-07. Review status: criteria provided, single submitter. Criteria: Ambry Variant Classification Scheme 2023. Collection method: clinical testing. Allele origin: germline.
Comment: The c.2035_2037delCTC variant (also known as p.L679del) is located in coding exon 14 of the MSH3 gene. This variant results from an in-frame CTC deletion at nucleotide positions 2035 to 2037. This results in the in-frame deletion of a leucine at codon 679. This amino acid position is highly conserved in available vertebrate species. In addition, this alteration is predicted to be deleterious by in silico analysis (Choi Y et al. PLoS ONE. 2012; 7(10):e46688). Based on the available evidence, the clinical significance of this variant remains unclear.

GeneDx
Classification: Uncertain significance. Last evaluated: 2024-07-19. Review status: criteria provided, single submitter. Criteria: GeneDx Variant Classification Process June 2021. Collection method: clinical testing. Allele origin: germline. Affected: yes.
Comment: In silico analysis supports a deleterious effect on protein structure/function; Has not been previously published as pathogenic or benign to our knowledge

Baylor Genetics
Classification: Uncertain significance for Endometrial carcinoma. Last evaluated: 2024-02-28. Review status: criteria provided, single submitter. Criteria: ACMG Guidelines, 2015. Collection method: clinical testing. Allele origin: unknown.

Sema4
Classification: Uncertain significance for Hereditary cancer-predisposing syndrome. Last evaluated: 2021-08-16. Review status: criteria provided, single submitter. Criteria: Sema4 Curation Guidelines. Collection method: curation. Allele origin: germline.
Comment: The MSH3 c.2035_2037delCTC (p.L679del) variant has not been reported in the literature to our knowledge. It was observed in 2/8714 chromosomes of the African subpopulation in the large and broad cohorts of the Genome Aggregation Database (PMID: 32461654) and has been reported in ClinVar (Variation ID 643106). This in-frame deletion removes a conserved amino acid without altering the integrity of reading frame. Functional studies and prediction algorithms are not available for this deletion, and the functional impact of this variant is unknown. The evidence is insufficient to meet ACMG/AMP criteria for classifying the variant as benign or pathogenic. Thus, the clinical significance of this variant is currently uncertain.

NM_002439.5(MSH3):c.2032CTC[1] (p.Leu679del)

Gene: MSH3 (mutS homolog 3; plus strand). Cytogenetic location: 5q14.1.
Variant type: Microsatellite.
Coding change: c.2032CTC[1] on transcript NM_002439.5 (MANE Select); one copy of the 3-base unit CTC starting at c.2032; the reference has two copies in a row; one copy, 3 bases deleted; also written c.2035_2037del.
Protein change: p.Leu679del; deletes leucine 679.
Molecular consequence: inframe deletion.
Genome position (GRCh38, 1-based): chr5:80,768,071-80,768,073, CTC deleted; deleting any 3 consecutive bases within chr5:80,768,068-80,768,073 gives the same sequence; the position shown is the placement nearest the transcript's 3' end. VCF-style (leftmost placement, unchanged base first): chr5-80768067-ACTC-A. GRCh37 (hg19) VCF-style: chr5-80063886-ACTC-A.
Other names: c.2035_2037del (NM_002439.5); c.2035_2037delCTC (NM_002439.4); short protein forms L679del.
Identifiers: ClinVar variation 643106 (VCV000643106.16), dbSNP rs1441694543, ClinGen allele CA560769505.